The following is an entry in ClinVar:

ClinVar aggregate classification (germline): Uncertain significance (1 of 4 stars; one submission).

Submission:

Labcorp Genetics (formerly Invitae), Labcorp
Classification: Uncertain significance. Last evaluated: 2022-03-13. Review status: criteria provided, single submitter. Criteria: Invitae Variant Classification Sherloc (09022015). Collection method: clinical testing. Allele origin: germline.
Comment: In summary, the available evidence is currently insufficient to determine the role of this variant in disease. Therefore, it has been classified as a Variant of Uncertain Significance. Algorithms developed to predict the effect of missense changes on protein structure and function are either unavailable or do not agree on the potential impact of this missense change (SIFT: "Not Available"; PolyPhen-2: "Benign"; Align-GVGD: "Not Available"). This variant has not been reported in the literature in individuals affected with SAMD9L-related conditions. This variant is not present in population databases (gnomAD no frequency). This sequence change replaces asparagine, which is neutral and polar, with isoleucine, which is neutral and non-polar, at codon 1362 of the SAMD9L protein (p.Asn1362Ile).

NM_152703.5(SAMD9L):c.4085A>T (p.Asn1362Ile)

Gene: SAMD9L (sterile alpha motif domain containing 9 like; minus strand). Cytogenetic location: 7q21.2.
Variant type: single nucleotide variant.
Coding change: c.4085A>T on transcript NM_152703.5 (MANE Select); coding-DNA position 4085, A replaced by T.
Protein change: p.Asn1362Ile; replaces asparagine 1362 with isoleucine.
Molecular consequence: missense variant.
Genome position (GRCh38, 1-based): chr7:93,131,887, T>A on the plus strand (A>T on the coding strand, the complement: SAMD9L is on the minus strand). VCF-style: chr7-93131887-T-A. GRCh37 (hg19) VCF-style: chr7-92761200-T-A.
Other names: c.4085A>T, p.Asn1362Ile (NM_001303496.3, NM_001303497.3, NM_001303498.3 and 5 more transcripts); short protein forms N1362I.
Identifiers: ClinVar variation 2110648 (VCV002110648.4), dbSNP rs2535406373, ClinGen allele CA368177404.
Genomic context (GRCh38, chr7:93,131,887, plus strand): 5'-TTTTGTTTCTCATTTGTCATGGGCTTTTTTGAGTTTTGCTGCAGTAGGAAGGCATATTCA[T>A]TCACTATACTTTCCATGGTGGTAGCATCTTTGTAGTTTGGATTAAGATATTCCAAGAGTC-3'
Protein context (NP_689916.2, residues 1352-1372): KDATTMESIV[Asn1362Ile]EYAFLLQQNS